The following is an entry in ClinVar:

NM_006361.6(HOXB13):c.*3G>A

Gene: HOXB13 (homeobox B13; minus strand). Cytogenetic location: 17q21.32.
Variant type: single nucleotide variant.
Coding change: c.*3G>A on transcript NM_006361.6 (MANE Select); 3 bases downstream of the stop codon, G replaced by A.
Molecular consequence: 3 prime UTR variant.
Genome position (GRCh38, 1-based): chr17:48,726,787, C>T on the plus strand (G>A on the coding strand, the complement: HOXB13 is on the minus strand). VCF-style: chr17-48726787-C-T. GRCh37 (hg19) VCF-style: chr17-46804149-C-T.
Identifiers: ClinVar variation 3772998 (VCV003772998.1).

ClinVar aggregate classification (germline): Benign (1 of 4 stars; one submission).

Conditions:
Prostate cancer, hereditary, 9 (HPC9). Identifiers: Orphanet 1331, MedGen C1970250, MONDO:0012597, OMIM 610997.

Submission:

Myriad Genetics, Inc.
Classification: Benign for Prostate cancer, hereditary, 9. Last evaluated: 2024-10-31. Review status: criteria provided, single submitter. Criteria: Myriad Autosomal Dominant, Autosomal Recessive and X-Linked Classification Criteria (2023). Collection method: clinical testing. Allele origin: unknown.
Comment: This variant is considered benign. This variant occurs in the non-coding 3' untranslated region of the gene, and is not expected to impact protein function.